The following is an entry in ClinVar:

ClinVar aggregate classification (germline): Pathogenic (1 of 4 stars; one submission).

Conditions:
Immunodeficiency 67. Also called: Immunodeficiency due to interleukin-1 receptor-associated kinase-4 deficiency. Identifiers: Orphanet 70592, MedGen C1843256, MONDO:0011888, OMIM 607676.

Allele frequency attached by ClinVar (database versions not stated): gnomAD exomes below 0.00001; TOPMed below 0.00001.

Submission:

Labcorp Genetics (formerly Invitae), Labcorp
Classification: Pathogenic for Immunodeficiency 67. Last evaluated: 2023-06-27. Review status: criteria provided, single submitter. Criteria: Invitae Variant Classification Sherloc (09022015). Collection method: clinical testing. Allele origin: germline.
Comment: For these reasons, this variant has been classified as Pathogenic. Algorithms developed to predict the effect of sequence changes on RNA splicing suggest that this variant may disrupt the consensus splice site. This sequence change creates a premature translational stop signal (p.Met218Trpfs*9) in the IRAK4 gene. It is expected to result in an absent or disrupted protein product. Loss-of-function variants in IRAK4 are known to be pathogenic (PMID: 17893200, 21057262). This variant is present in population databases (no rsID available, gnomAD 0.003%). This variant has not been reported in the literature in individuals affected with IRAK4-related conditions. ClinVar contains an entry for this variant (Variation ID: 2053205).

Literature cited by the submitters: PubMed 17893200; PubMed 21057262.

NM_016123.4(IRAK4):c.652delA (p.Met218fs)

Gene: IRAK4 (interleukin 1 receptor associated kinase 4; plus strand). Cytogenetic location: 12q12.
Variant type: Deletion.
Coding change: c.652delA on transcript NM_016123.4 (MANE Select); coding-DNA position 652, one base deleted (A).
Protein change: p.Met218fs; shifts the reading frame from methionine 218.
Molecular consequence: frameshift variant.
Genome position (GRCh38, 1-based): chr12:43,773,965, A deleted. VCF-style (leftmost placement, unchanged base first): chr12-43773964-GA-G. GRCh37 (hg19) VCF-style: chr12-44167767-GA-G.
Other names: c.652delA, p.Met218fs (NM_001114182.3, NM_001351345.2); c.280delA, p.Met94fs (NM_001145256.2, NM_001145257.2, NM_001145258.2 and 5 more transcripts); c.43del, p.Met15fs (NM_001351343.2, NM_001351344.2); short protein forms M15fs, M218fs, M94fs.
Identifiers: ClinVar variation 2053205 (VCV002053205.4), dbSNP rs1333654771, ClinGen allele CA604551929.